The following is an entry in ClinVar:

NM_000037.4(ANK1):c.1800+1G>A

Genes: ANK1 (ankyrin 1; minus strand), LOC126860369 (BRD4-independent group 4 enhancer GRCh37_chr8:41570734-41571933; plus strand). Cytogenetic location: 8p11.21.
Variant type: single nucleotide variant.
Coding change: c.1800+1G>A on transcript NM_000037.4 (MANE Select); the canonical splice donor site of the intron after coding-DNA position 1800, G replaced by A.
Molecular consequence: splice donor variant.
Genome position (GRCh38, 1-based): chr8:41,714,155, C>T on the plus strand (G>A on the coding strand, the complement: ANK1 is on the minus strand). VCF-style: chr8-41714155-C-T. GRCh37 (hg19) VCF-style: chr8-41571673-C-T.
Other names: c.1899+1G>A (NM_001142446.2); c.1800+1G>A (NM_020477.3, NM_020475.3, NM_020476.3).
Identifiers: ClinVar variation 4539370 (VCV004539370.1).
Genomic context (GRCh38, chr8:41,714,155, plus strand): 5'-GACTGGAAGGTAGCAGGTGACCTGCTCTCCAGGGGCAGCTGGGGAGAGGGGCGGGCCTTA[C>T]CCAGGCAGGGCTGTGCGGGGAGCCGCCCCGGGGAAGCAGCAGCTTGACGATGTCCAGGTT-3'

ClinVar aggregate classification (germline): Likely pathogenic (1 of 4 stars; one submission).

Submission:

Center for Genomic Medicine, Rigshospitalet, Copenhagen University Hospital
Classification: Likely pathogenic. Last evaluated: 2025-12-29. Review status: criteria provided, single submitter. Criteria: ACMG Guidelines, 2015. Collection method: clinical testing. Allele origin: germline.
Comment: Classification criteria: PVS1_moderate, PM2_supporting, PP4_moderate, PP1_supporting

Literature cited by the submitters: PubMed 8640229; PubMed 33014018.